The following is an entry in ClinVar:

ClinVar aggregate classification (germline): Uncertain significance (1 of 4 stars; one submission).

gnomAD v4.1: 8 of 1,611,276 alleles (0.0005%); highest among the groups gnomAD compares: African/African-American, 0.0013%; no homozygotes.

Submission:

Labcorp Genetics (formerly Invitae), Labcorp
Classification: Uncertain significance. Last evaluated: 2025-03-10. Review status: criteria provided, single submitter. Criteria: Invitae Variant Classification Sherloc (09022015). Collection method: clinical testing. Allele origin: germline.
Comment: This sequence change replaces proline, which is neutral and non-polar, with histidine, which is basic and polar, at codon 520 of the DVL1 protein (p.Pro520His). This variant is present in population databases (rs372765398, gnomAD 0.002%). This variant has not been reported in the literature in individuals affected with DVL1-related conditions. Invitae Evidence Modeling of protein sequence and biophysical properties (such as structural, functional, and spatial information, amino acid conservation, physicochemical variation, residue mobility, and thermodynamic stability) indicates that this missense variant is not expected to disrupt DVL1 protein function with a negative predictive value of 80%. In summary, the available evidence is currently insufficient to determine the role of this variant in disease. Therefore, it has been classified as a Variant of Uncertain Significance.

NM_001330311.2(DVL1):c.1634C>A (p.Pro545His)

Gene: DVL1 (dishevelled segment polarity protein 1; minus strand). Cytogenetic location: 1p36.33.
Variant type: single nucleotide variant.
Coding change: c.1634C>A on transcript NM_001330311.2 (MANE Select); coding-DNA position 1634, C replaced by A.
Protein change: p.Pro545His; replaces proline 545 with histidine.
Molecular consequence: missense variant.
Genome position (GRCh38, 1-based): chr1:1,338,057, G>T on the plus strand (C>A on the coding strand, the complement: DVL1 is on the minus strand). VCF-style: chr1-1338057-G-T. GRCh37 (hg19) VCF-style: chr1-1273437-G-T.
Other names: c.1559C>A, p.Pro520His (NM_004421.3); short protein forms P545H, P520H.
Identifiers: ClinVar variation 4779233 (VCV004779233.1).